The following is an entry in ClinVar:

ClinVar aggregate classification (germline): Uncertain significance (1 of 4 stars; one submission).

Conditions:
Cohen syndrome (COH1). Also called: PEPPER SYNDROME; Cutis verticis gyrata, retinitis pigmentosa, and sensorineural deafness. Identifiers: Orphanet 193, MedGen C0265223, MONDO:0008999, OMIM 216550.

Submission:

Labcorp Genetics (formerly Invitae), Labcorp
Classification: Uncertain significance for Cohen syndrome. Last evaluated: 2022-02-17. Review status: criteria provided, single submitter. Criteria: Invitae Variant Classification Sherloc (09022015). Collection method: clinical testing. Allele origin: germline.
Comment: This sequence change replaces proline, which is neutral and non-polar, with alanine, which is neutral and non-polar, at codon 325 of the VPS13B protein (p.Pro325Ala). This variant is not present in population databases (gnomAD no frequency). This variant has not been reported in the literature in individuals affected with VPS13B-related conditions. ClinVar contains an entry for this variant (Variation ID: 941598). Algorithms developed to predict the effect of missense changes on protein structure and function are either unavailable or do not agree on the potential impact of this missense change (SIFT: "Not Available"; PolyPhen-2: "Possibly Damaging"; Align-GVGD: "Not Available"). In summary, the available evidence is currently insufficient to determine the role of this variant in disease. Therefore, it has been classified as a Variant of Uncertain Significance.

NM_152564.5(VPS13B):c.973C>G (p.Pro325Ala)

Gene: VPS13B (vacuolar protein sorting 13 homolog B; plus strand). Cytogenetic location: 8q22.2.
Variant type: single nucleotide variant.
Coding change: c.973C>G on transcript NM_152564.5 (MANE Select); coding-DNA position 973, C replaced by G.
Protein change: p.Pro325Ala; replaces proline 325 with alanine.
Molecular consequence: missense variant. On other transcripts: non-coding transcript variant (1).
Genome position (GRCh38, 1-based): chr8:99,121,212, C>G. VCF-style: chr8-99121212-C-G. GRCh37 (hg19) VCF-style: chr8-100133440-C-G.
Other names: c.973C>G, p.Pro325Ala (NM_015243.3, NM_017890.5, NM_181661.3); short protein forms P325A.
Identifiers: ClinVar variation 941598 (VCV000941598.7), dbSNP rs1161857930, ClinGen allele CA371860830.